The following is an entry in ClinVar:

ClinVar aggregate classification (germline): Pathogenic (1 of 4 stars; one submission).

Conditions:
Hereditary factor XI deficiency disease. Also called: PLASMA THROMBOPLASTIN ANTECEDENT DEFICIENCY; PTA DEFICIENCY; ROSENTHAL SYNDROME; Congenital factor XI deficiency. Identifiers: Orphanet 329, MedGen C0015523, MeSH D005173, MONDO:0012897, OMIM 612416.

Submission:

Myriad Genetics, Inc.
Classification: Pathogenic for Hereditary factor XI deficiency disease. Last evaluated: 2024-05-14. Review status: criteria provided, single submitter. Criteria: Myriad Autosomal Dominant, Autosomal Recessive and X-Linked Classification Criteria (2023). Collection method: clinical testing. Allele origin: unknown.
Comment: NM_000128.3(F11):c.133_134ins10(Y45Cfs*27) is expected to be pathogenic in the context of factor XI deficiency. This variant is predicted to lead to an abnormal or absent protein product due to the creation of a premature termination codon in F11, a gene where loss-of-function variants are known to be pathogenic. Please note: this variant was assessed in the context of healthy population screening.

NM_000128.4(F11):c.133_134insGTCCTTCAAC (p.Tyr45fs)

Gene: F11 (coagulation factor XI; plus strand). Cytogenetic location: 4q35.2.
Variant type: Insertion.
Coding change: c.133_134insGTCCTTCAAC on transcript NM_000128.4 (MANE Select); coding-DNA positions 133 to 134, GTCCTTCAAC inserted.
Protein change: p.Tyr45fs; shifts the reading frame from tyrosine 45.
Molecular consequence: frameshift variant.
Genome position: GRCh38 VCF-style: chr4-186271686-T-TGTCCTTCAAC. GRCh37 (hg19) VCF-style: chr4-187192840-T-TGTCCTTCAAC.
Other names: c.133_134insGTCCTTCAAC, p.Tyr45fs (NM_001354804.2, NM_001440590.1, NM_001440593.1 and 5 more transcripts); short protein forms Y45fs.
Identifiers: ClinVar variation 5011148 (VCV005011148.1).